The following is an entry in ClinVar:

NM_000180.4(GUCY2D):c.1394T>G (p.Leu465Arg)

Gene: GUCY2D (guanylate cyclase 2D, retinal; plus strand). Cytogenetic location: 17p13.1.
Variant type: single nucleotide variant.
Coding change: c.1394T>G on transcript NM_000180.4 (MANE Select); coding-DNA position 1394, T replaced by G.
Protein change: p.Leu465Arg; replaces leucine 465 with arginine.
Molecular consequence: missense variant.
Genome position (GRCh38, 1-based): chr17:8,007,075, T>G. VCF-style: chr17-8007075-T-G. GRCh37 (hg19) VCF-style: chr17-7910393-T-G.
Other names: short protein forms L465R.
Identifiers: ClinVar variation 2930862 (VCV002930862.3), dbSNP rs1298892054, ClinGen allele CA397948704.
Genomic context (GRCh38, chr17:8,007,075, plus strand): 5'-CCCTGGCATCGCTCCTCAGTATACCTCCTGTCACTGTCCCTTCAGGACTGGAGCCGGGCC[T>G]CGTCTTTCTTGGCTTCCTCCTGGTGGTTGGGATGGGGCTGGCTGGGGCCTTCCTGGCCCA-3'
Protein context (NP_000171.1, residues 455-475): NICGGGLEPG[Leu465Arg]VFLGFLLVVG

ClinVar aggregate classification (germline): Uncertain significance (1 of 4 stars; one submission).

Conditions:
Cone-rod dystrophy 6 (CORD6). Also called: Cone dystrophy progressive; RETINAL CONE DYSTROPHY 2. Identifiers: Orphanet 1872, MedGen C1866293, MONDO:0011143, OMIM 601777.
Leber congenital amaurosis 1 (LCA1). Also called: AMAUROSIS CONGENITA OF LEBER I; Congenital absence of the rods and cones; Leber's congenital tapetoretinal degeneration; Leber's congenital tapetoretinal dysplasia; RETINAL BLINDNESS, CONGENITAL. Identifiers: Orphanet 65, MedGen C2931258, MONDO:0008764, OMIM 204000.

Allele frequency attached by ClinVar (database versions not stated): TOPMed below 0.00001.

Submission:

Labcorp Genetics (formerly Invitae), Labcorp
Classification: Uncertain significance for Leber congenital amaurosis 1; Cone-rod dystrophy 6. Last evaluated: 2023-03-11. Review status: criteria provided, single submitter. Criteria: Invitae Variant Classification Sherloc (09022015). Collection method: clinical testing. Allele origin: germline.
Comment: In summary, the available evidence is currently insufficient to determine the role of this variant in disease. Therefore, it has been classified as a Variant of Uncertain Significance. Advanced modeling of protein sequence and biophysical properties (such as structural, functional, and spatial information, amino acid conservation, physicochemical variation, residue mobility, and thermodynamic stability) performed at Invitae indicates that this missense variant is not expected to disrupt GUCY2D protein function. This variant has not been reported in the literature in individuals affected with GUCY2D-related conditions. This variant is not present in population databases (gnomAD no frequency). This sequence change replaces leucine, which is neutral and non-polar, with arginine, which is basic and polar, at codon 465 of the GUCY2D protein (p.Leu465Arg).